The following is an entry in ClinVar:

NM_030653.4(DDX11):c.2187G>A (p.Leu729=)

Gene: DDX11 (DEAD/H-box helicase 11; plus strand). Cytogenetic location: 12p11.21.
Variant type: single nucleotide variant.
Coding change: c.2187G>A on transcript NM_030653.4 (MANE Select); coding-DNA position 2187, G replaced by A.
Protein change: p.Leu729=; no amino-acid change (leucine 729 retained).
Molecular consequence: synonymous variant. On other transcripts: non-coding transcript variant (4), intron variant (1).
Genome position (GRCh38, 1-based): chr12:31,101,967, G>A. VCF-style: chr12-31101967-G-A. GRCh37 (hg19) VCF-style: chr12-31254901-G-A.
Other names: c.2187G>A, p.Leu729= (NM_001257144.2, NM_001413692.1, NM_001413693.1 and 4 more transcripts); c.2109G>A, p.Leu703= (NM_001257145.2, NM_001413697.1, NM_001413698.1 and 1 more transcripts); c.2100G>A, p.Leu700= (NM_001413700.1); c.1659G>A, p.Leu553= (NM_001413702.1, NM_001413703.1); c.1326G>A, p.Leu442= (NM_001413704.1, NM_001413705.1); c.1221G>A, p.Leu407= (NM_001413706.1); c.2053-276G>A (NM_004399.3).
Identifiers: ClinVar variation 4534898 (VCV004534898.6).
Genomic context (GRCh38, chr12:31,101,967, plus strand): 5'-CTACGAGTACCTGCGCCAGGTCCATGCCCACTGGGAGAAGGGTGGCCTGCTGGGCCGTCT[G>A]GCTGCCAGGAAGAAGGTGAGTGGCCTGTCGGCAGCCTTCCCACTTGTGAGGACAGTGCCA-3'
Protein context (NP_085911.2, residues 719-739): HWEKGGLLGR[Leu729=]AARKKIFQEP

ClinVar aggregate classification (germline): Likely benign (1 of 4 stars; one submission).

gnomAD v4.1: 19 of 1,612,630 alleles (0.0012%); highest among the groups gnomAD compares: Non-Finnish European, 0.0015%; no homozygotes.

Submission:

CeGaT Center for Human Genetics Tuebingen
Classification: Likely benign. Last evaluated: 2025-10-01. Review status: criteria provided, single submitter. Criteria: CeGaT Center For Human Genetics Tuebingen Variant Classification Criteria Version 2. Collection method: clinical testing. Allele origin: germline. Affected: yes. Observed: 1 variant allele.
Comment: DDX11: BP4, BP7